The following is an entry in ClinVar:

NM_000088.4(COL1A1):c.2192G>A (p.Gly731Asp)

Gene: COL1A1 (collagen type I alpha 1 chain; minus strand). Cytogenetic location: 17q21.33.
Variant type: single nucleotide variant.
Coding change: c.2192G>A on transcript NM_000088.4 (MANE Select); coding-DNA position 2192, G replaced by A.
Protein change: p.Gly731Asp; replaces glycine 731 with aspartic acid.
Molecular consequence: missense variant.
Genome position (GRCh38, 1-based): chr17:50,191,426, C>T on the plus strand (G>A on the coding strand, the complement: COL1A1 is on the minus strand). VCF-style: chr17-50191426-C-T. GRCh37 (hg19) VCF-style: chr17-48268787-C-T.
Other names: short protein forms G731D.
Identifiers: ClinVar variation 2626749 (VCV002626749.1), dbSNP rs2509197106, ClinGen allele CA400211004.
Genomic context (GRCh38, chr17:50,191,426, plus strand): 5'-GGGAAGGTTGAACTTACTCTGTCACCCTTAGGCCCTGGAAGACCAGCTGCACCACGTTCA[C>T]CAGGCATTCCCTGAAGGCCAGGGGCGCCCTGGCTACCGGGAGCTCCAGGGGCACCAGCAT-3'
Protein context (NP_000079.2, residues 721-741): QGAPGLQGMP[Gly731Asp]ERGAAGLPGP

ClinVar aggregate classification (germline): Likely pathogenic (1 of 4 stars; one submission).

Conditions:
Osteogenesis imperfecta, perinatal lethal (OI2). Also called: OSTEOGENESIS IMPERFECTA, TYPE II; VROLIK TYPE OF OSTEOGENESIS IMPERFECTA; Osteogenesis imperfecta, dominant perinatal lethal; Osteogenesis imperfecta type 2; OI, TYPE II; OSTEOGENESIS IMPERFECTA CONGENITA. Identifiers: Orphanet 216804, MedGen C0268358, MONDO:0008147, OMIM 166210.

Submission:

Division of Genomic Medicine, Department of Advanced Medicine, Medical Research Institute, Kanazawa Medical University
Classification: Likely pathogenic for Osteogenesis imperfecta, perinatal lethal. Last evaluated: 2023-10-20. Review status: criteria provided, single submitter. Criteria: ACMG Guidelines, 2015. Collection method: clinical testing. Allele origin: germline. Affected: yes. Observed: 1 variant allele.
Comment: This missense variant p.Gly731Asp is absent from controls (PM2), different missense chamge of the same amino acid residue p.Gly731Ala and p.Gly731Val have been reported as pathogenic (PM5), multiple lines of computational evidence support a deleterious effect (PP3), and the patient’s phenotype is highly specific for a disease (PP4). This variant is judged to be likely pathogenic according to ACMG Guidelines, 2015.